The following is an entry in ClinVar:

NM_006734.4(HIVEP2):c.5583A>G (p.Ser1861=)

Gene: HIVEP2 (HIVEP zinc finger 2; minus strand). Cytogenetic location: 6q24.2.
Variant type: single nucleotide variant.
Coding change: c.5583A>G on transcript NM_006734.4 (MANE Select); coding-DNA position 5583, A replaced by G.
Protein change: p.Ser1861=; no amino-acid change (serine 1861 retained).
Molecular consequence: synonymous variant.
Genome position (GRCh38, 1-based): chr6:142,761,501, T>C on the plus strand (A>G on the coding strand, the complement: HIVEP2 is on the minus strand). VCF-style: chr6-142761501-T-C. GRCh37 (hg19) VCF-style: chr6-143082638-T-C.
Identifiers: ClinVar variation 714322 (VCV000714322.13), dbSNP rs200660585, ClinGen allele CA4027850.
Genomic context (GRCh38, chr6:142,761,501, plus strand): 5'-CAACTCATTTATGACATACACACCTGCTTCCTCAGTTTCTGTATCATCCACCGATGTCAT[T>C]GAGACTCCCAATTCCAGGCATTTTTTCATGTGTGCTTTAGATTTCATATGCTTCGTTAGG-3'
Protein context (NP_006725.3, residues 1851-1871): HMKKCLELGV[Ser1861=]MTSVDDTETE

ClinVar aggregate classification (germline): Benign/Likely benign. Review status: criteria provided, multiple submitters, no conflicts (2 of 4 stars). 3 submissions from 3 submitters: Benign (1); Likely benign (2). Last evaluated 2026-06-01.

Conditions:
Intellectual developmental disorder, autosomal dominant 43. Also called: Intellectual disability, autosomal dominant 43. Identifiers: MedGen C4707429, MONDO:0014858, OMIM 616977.

Allele frequency attached by ClinVar (database versions not stated): 1000 Genomes Project 0.00200; gnomAD 0.00332 and 0.00371; gnomAD exomes 0.00094 and 0.00033; ExAC 0.00112; 1000 Genomes Project 30x 0.00219; ESP Exome Variant Server 0.00283; TOPMed 0.00384.
gnomAD v4.1: 1,002 of 1,606,898 alleles (0.062%); highest among the groups gnomAD compares: African/African-American, 1.2%; 3 homozygotes.

Submissions (3):

CeGaT Center for Human Genetics Tuebingen
Classification: Likely benign. Last evaluated: 2026-06-01. Review status: criteria provided, single submitter. Criteria: CeGaT Center For Human Genetics Tuebingen Variant Classification Criteria Version 2. Collection method: clinical testing. Allele origin: germline. Affected: yes. Observed: 2 variant alleles.
Comment: HIVEP2: BP4, BP7, BS1

Labcorp Genetics (formerly Invitae), Labcorp
Classification: Benign. Last evaluated: 2026-01-28. Review status: criteria provided, single submitter. Criteria: Invitae Variant Classification Sherloc (09022015). Collection method: clinical testing. Allele origin: germline.

Fulgent Genetics
Classification: Likely benign for Intellectual developmental disorder, autosomal dominant 43. Last evaluated: 2021-09-27. Review status: criteria provided, single submitter. Criteria: ACMG Guidelines, 2015. Collection method: clinical testing. Allele origin: unknown.